The following is an entry in ClinVar:

ClinVar aggregate classification (germline): Likely benign. Review status: criteria provided, multiple submitters, no conflicts (2 of 4 stars). 3 submissions from 3 submitters: Likely benign (2). 1 of the submissions does not count toward it. Last evaluated 2024-02-27.

Conditions:
PRDM5-related disorder. Also called: PRDM5-related condition.
Cardiovascular phenotype. Identifiers: MedGen CN230736.

Allele frequency attached by ClinVar (database versions not stated): gnomAD exomes below 0.00001; TOPMed 0.00009; gnomAD 0.00010.
gnomAD v4.1: 18 of 1,613,930 alleles (0.0011%); highest among the groups gnomAD compares: African/African-American, 0.021%; no homozygotes.

Submissions (3):

Labcorp Genetics (formerly Invitae), Labcorp
Classification: Likely benign. Last evaluated: 2024-02-27. Review status: criteria provided, single submitter. Criteria: Invitae Variant Classification Sherloc (09022015). Collection method: clinical testing. Allele origin: germline.

Ambry Genetics
Classification: Likely benign for Cardiovascular phenotype. Last evaluated: 2020-06-11. Review status: criteria provided, single submitter. Criteria: Ambry Variant Classification Scheme 2023. Collection method: clinical testing. Allele origin: germline.

PreventionGenetics, part of Exact Sciences
Classification: Likely benign for PRDM5-related condition. Last evaluated: 2022-08-01. Review status: no assertion criteria provided. Collection method: clinical testing. Allele origin: germline. Not counted in ClinVar's aggregate classification.
Comment: This variant is classified as likely benign based on ACMG/AMP sequence variant interpretation guidelines (Richards et al. 2015 PMID: 25741868, with internal and published modifications).

NM_018699.4(PRDM5):c.321T>C (p.Tyr107=)

Gene: PRDM5 (PR/SET domain 5; minus strand). Cytogenetic location: 4q27.
Variant type: single nucleotide variant.
Coding change: c.321T>C on transcript NM_018699.4 (MANE Select); coding-DNA position 321, T replaced by C.
Protein change: p.Tyr107=; no amino-acid change (tyrosine 107 retained).
Molecular consequence: synonymous variant.
Genome position (GRCh38, 1-based): chr4:120,821,325, A>G on the plus strand (T>C on the coding strand, the complement: PRDM5 is on the minus strand). VCF-style: chr4-120821325-A-G. GRCh37 (hg19) VCF-style: chr4-121742480-A-G.
Other names: c.321T>C, p.Tyr107= (NM_001300823.2, NM_001300824.2, NM_001379104.1 and 1 more transcripts); c.321T>C (NM_018699.3).
Identifiers: ClinVar variation 1729067 (VCV001729067.7), dbSNP rs1051343170, ClinGen allele CA105122206.